The following is an entry in ClinVar:

ClinVar aggregate classification (germline): Uncertain significance (1 of 4 stars; one submission).

Submission:

GeneDx
Classification: Uncertain significance. Last evaluated: 2024-10-15. Review status: criteria provided, single submitter. Criteria: GeneDx Variant Classification Process June 2021. Collection method: clinical testing. Allele origin: germline. Affected: yes.
Comment: Not observed at significant frequency in large population cohorts (gnomAD); In silico analysis supports that this missense variant has a deleterious effect on protein structure/function; Has not been previously published as pathogenic or benign to our knowledge

NM_001372066.1(TFAP2A):c.1165G>C (p.Gly389Arg)

Gene: TFAP2A (transcription factor AP-2 alpha; minus strand). Cytogenetic location: 6p24.3.
Variant type: single nucleotide variant.
Coding change: c.1165G>C on transcript NM_001372066.1 (MANE Select); coding-DNA position 1165, G replaced by C.
Protein change: p.Gly389Arg; replaces glycine 389 with arginine.
Molecular consequence: missense variant.
Genome position (GRCh38, 1-based): chr6:10,398,572, C>G on the plus strand (G>C on the coding strand, the complement: TFAP2A is on the minus strand). VCF-style: chr6-10398572-C-G. GRCh37 (hg19) VCF-style: chr6-10398805-C-G.
Other names: c.1141G>C, p.Gly381Arg (NM_001032280.3); c.1147G>C, p.Gly383Arg (NM_001042425.3); short protein forms G381R, G383R, G389R.
Identifiers: ClinVar variation 3893378 (VCV003893378.1).